The following is an entry in ClinVar:

NM_015087.5(SPART):c.1164+1G>A

Gene: SPART (spartin; minus strand). Cytogenetic location: 13q13.3.
Variant type: single nucleotide variant.
Coding change: c.1164+1G>A on transcript NM_015087.5 (MANE Select); the canonical splice donor site of the intron after coding-DNA position 1164, G replaced by A.
Molecular consequence: splice donor variant.
Genome position (GRCh38, 1-based): chr13:36,329,361, C>T on the plus strand (G>A on the coding strand, the complement: SPART is on the minus strand). VCF-style: chr13-36329361-C-T. GRCh37 (hg19) VCF-style: chr13-36903498-C-T.
Other names: NC_000013.10:g.36903498C>T; c.1164+1G>A (NM_001142295.2, NM_001142296.2, NM_001142294.2).
Identifiers: ClinVar variation 4392156 (VCV004392156.2), dbSNP rs1386172948.
Genomic context (GRCh38, chr13:36,329,361, plus strand): 5'-ATGAAACTGGAGAAAGGTACCATTAGAAGACAACACACACACTTATTACTCTTTTATTTA[C>T]CCTTTTTCCACGTTTTCCTTTATGACGTACATCCTTATTGCCTTGGTCCAACTGTTTCAC-3'

ClinVar aggregate classification (germline): Uncertain significance (1 of 4 stars; one submission).

Conditions:
SPART-related disorder. Also called: SPART-related condition.

gnomAD v4.1: 41 of 1,613,896 alleles (0.0025%); highest among the groups gnomAD compares: Non-Finnish European, 0.0034%; no homozygotes.

Submissions (2):

PreventionGenetics, part of Exact Sciences
Classification: Uncertain significance for SPART-related condition. Last evaluated: 2026-05-05. Review status: criteria provided, single submitter. Criteria: ACMG Guidelines, 2015. Collection method: clinical testing. Allele origin: germline.
Comment: The SPART c.1164+1G>A variant is predicted to disrupt the GT donor site and interfere with normal splicing. To our knowledge, this variant has not been reported in the literature. This variant is reported in 0.0023% of alleles in individuals of European (Non-Finnish) descent in gnomAD. Although we suspect that this variant may be pathogenic, at this time, the clinical significance of this variant is uncertain due to the absence of conclusive functional and genetic evidence.

Dr. Peter K. Rogan Lab, Western University
No classification provided (evidence only). Condition: Ovarian serous cystadenocarcinoma. Review status: no classification provided. Collection method: in vitro. Allele origin: not applicable. Functional consequence: retained intron. Not counted in ClinVar's aggregate classification.